The following is an entry in ClinVar:

ClinVar aggregate classification (germline): Pathogenic (0 of 4 stars; one submission).

Conditions:
Childhood apraxia of speech (SPCH1). Also called: Speech language disorder; DEVELOPMENTAL VERBAL DYSPRAXIA; SPEECH AND LANGUAGE DISORDER WITH OROFACIAL DYSPRAXIA; FOXP2-Related Speech and Language Disorder. Identifiers: Orphanet 209908, MedGen C0750927, MONDO:0011184, OMIM 602081.

Submission:

GeneReviews
Classification: Pathogenic for Childhood apraxia of speech. Last evaluated: 2016-03-02. Review status: no assertion criteria provided. Collection method: literature only. Allele origin: germline. Affected: yes. Observed: 2 variant alleles.
Comment: Speech: CAS Oromotor: NAD Language: Poor vocabulary Cognition: Moderate ID Other: Aggressive

Literature cited by the submitters: PubMed 22105961.

7q31.1-q31.2, 6.5 Mb deletion

Gene: FOXP2 (forkhead box P2; plus strand). Cytogenetic location: 7q31.1-31.2.
Variant type: Deletion.
Other names: arr 7q31.1q31.2(108,290,244-114,759,023)x1.
Identifiers: ClinVar variation 242958 (VCV000242958.2).